The following is an entry in ClinVar:

NM_001282531.3(ADNP):c.2963C>T (p.Thr988Ile)

Gene: ADNP (activity dependent neuroprotector homeobox; minus strand). Cytogenetic location: 20q13.13.
Variant type: single nucleotide variant.
Coding change: c.2963C>T on transcript NM_001282531.3 (MANE Select); coding-DNA position 2963, C replaced by T.
Protein change: p.Thr988Ile; replaces threonine 988 with isoleucine.
Molecular consequence: missense variant.
Genome position (GRCh38, 1-based): chr20:50,891,751, G>A on the plus strand (C>T on the coding strand, the complement: ADNP is on the minus strand). VCF-style: chr20-50891751-G-A. GRCh37 (hg19) VCF-style: chr20-49508288-G-A.
Other names: c.2963C>T, p.Thr988Ile (NM_001282532.2, NM_001347511.2, NM_015339.5 and 1 more transcripts); short protein forms T988I.
Identifiers: ClinVar variation 2783340 (VCV002783340.3), dbSNP rs187266199, ClinGen allele CA9908482.
Genomic context (GRCh38, chr20:50,891,751, plus strand): 5'-CTCCTTGCATCTTCGCTTTGGGAAGACTCGTCAGACCAGGTTCCTGGTTTCATTTCGCAG[G>A]TATTGTCCTCAAAGTCTGACACTTGTTGGGATCCAGGCCCACTCTCAGATGGAGAAGCAC-3'
Protein context (NP_001269460.1, residues 978-998): SQQVSDFEDN[Thr988Ile]CEMKPGTWSD

ClinVar aggregate classification (germline): Uncertain significance (1 of 4 stars; one submission).

Allele frequency attached by ClinVar (database versions not stated): ExAC 0.00001; gnomAD 0.00001; TOPMed 0.00001; 1000 Genomes Project 30x 0.00016; 1000 Genomes Project 0.00020.

Submission:

Labcorp Genetics (formerly Invitae), Labcorp
Classification: Uncertain significance. Last evaluated: 2023-11-28. Review status: criteria provided, single submitter. Criteria: Invitae Variant Classification Sherloc (09022015). Collection method: clinical testing. Allele origin: germline.
Comment: This sequence change replaces threonine, which is neutral and polar, with isoleucine, which is neutral and non-polar, at codon 988 of the ADNP protein (p.Thr988Ile). This variant is present in population databases (rs187266199, gnomAD 0.006%). This missense change has been observed in individual(s) with clinical features of ADNP-related conditions (PMID: 31029150). An algorithm developed to predict the effect of missense changes on protein structure and function (PolyPhen-2) suggests that this variant is likely to be tolerated. In summary, the available evidence is currently insufficient to determine the role of this variant in disease. Therefore, it has been classified as a Variant of Uncertain Significance.

Literature cited by the submitters: PubMed 31029150.